The following is an entry in ClinVar:

NM_021930.6(RINT1):c.2344A>G (p.Asn782Asp)

Genes: EFCAB10 (EF-hand calcium binding domain 10; minus strand), RINT1 (RAD50 interactor 1; plus strand). Cytogenetic location: 7q22.3.
Variant type: single nucleotide variant.
Coding change: c.2344A>G on transcript NM_021930.6 (MANE Select); coding-DNA position 2344, A replaced by G.
Protein change: p.Asn782Asp; replaces asparagine 782 with aspartic acid.
Molecular consequence: missense variant. On other transcripts: 3 prime UTR variant (2), non-coding transcript variant (1), intron variant (3).
Genome position (GRCh38, 1-based): chr7:105,567,276, A>G. VCF-style: chr7-105567276-A-G. GRCh37 (hg19) VCF-style: chr7-105207723-A-G.
Other names: c.*178T>C (NM_001355527.2, NM_001355529.2); c.2110A>G, p.Asn704Asp (NM_001346599.2); c.1321A>G, p.Asn441Asp (NM_001346600.2, NM_001346603.2); c.1420A>G, p.Asn474Asp (NM_001346601.2); c.360-1829T>C (NM_001355531.2); c.383+191T>C (NM_001355526.2, NM_001355530.2); short protein forms N704D, N474D, N441D, N782D.
Identifiers: ClinVar variation 3433641 (VCV003433641.1).

ClinVar aggregate classification (germline): Uncertain significance (1 of 4 stars; one submission).

gnomAD v4.1: 1 of 1,608,668 alleles (0.000062%); no homozygotes.

Submission:

Ambry Genetics
Classification: Uncertain significance. Last evaluated: 2024-10-23. Review status: criteria provided, single submitter. Criteria: Ambry Variant Classification Scheme 2023. Collection method: clinical testing. Allele origin: germline.
Comment: The p.N782D variant (also known as c.2344A>G), located in coding exon 15 of the RINT1 gene, results from an A to G substitution at nucleotide position 2344. The asparagine at codon 782 is replaced by aspartic acid, an amino acid with highly similar properties. This amino acid position is conserved. In addition, this alteration is predicted to be tolerated by in silico analysis. Based on the available evidence, the clinical significance of this variant remains unclear.